The following is an entry in ClinVar:

NM_006389.5(HYOU1):c.591C>T (p.Leu197=)

Gene: HYOU1 (hypoxia up-regulated 1; minus strand). Cytogenetic location: 11q23.3.
Variant type: single nucleotide variant.
Coding change: c.591C>T on transcript NM_006389.5 (MANE Select); coding-DNA position 591, C replaced by T.
Protein change: p.Leu197=; no amino-acid change (leucine 197 retained).
Molecular consequence: synonymous variant.
Genome position (GRCh38, 1-based): chr11:119,054,581, G>A on the plus strand (C>T on the coding strand, the complement: HYOU1 is on the minus strand). VCF-style: chr11-119054581-G-A. GRCh37 (hg19) VCF-style: chr11-118925293-G-A.
Other names: c.591C>T, p.Leu197= (NM_001130991.3, NM_001411041.1).
Identifiers: ClinVar variation 2882722 (VCV002882722.3), dbSNP rs200421260, ClinGen allele CA229648057.

ClinVar aggregate classification (germline): Uncertain significance (1 of 4 stars; one submission).

Allele frequency attached by ClinVar (database versions not stated): gnomAD exomes below 0.00001; TOPMed below 0.00001; gnomAD 0.00001; 1000 Genomes Project 30x 0.00016.
gnomAD v4.1: 7 of 1,614,198 alleles (0.00043%); highest among the groups gnomAD compares: East Asian, 0.013%; no homozygotes.

Submission:

Labcorp Genetics (formerly Invitae), Labcorp
Classification: Uncertain significance. Last evaluated: 2023-09-23. Review status: criteria provided, single submitter. Criteria: Invitae Variant Classification Sherloc (09022015). Collection method: clinical testing. Allele origin: germline.
Comment: This sequence change affects codon 197 of the HYOU1 mRNA. It is a 'silent' change, meaning that it does not change the encoded amino acid sequence of the HYOU1 protein. In summary, the available evidence is currently insufficient to determine the role of this variant in disease. Therefore, it has been classified as a Variant of Uncertain Significance. This variant has not been reported in the literature in individuals affected with HYOU1-related conditions. This variant is present in population databases (rs200421260, gnomAD 0.01%).